The following is an entry in ClinVar:

ClinVar aggregate classification (germline): Uncertain significance. Review status: criteria provided, multiple submitters, no conflicts (2 of 4 stars). 2 submissions from 2 submitters: Uncertain significance (2). Last evaluated 2024-12-05.

Conditions:
Inborn genetic diseases. Identifiers: MedGen C0950123, MeSH D030342.
Glanzmann thrombasthenia. Also called: BLEEDING DISORDER, PLATELET-TYPE, 2; THROMBASTHENIA OF GLANZMANN AND NAEGELI; PLATELET GLYCOPROTEIN IIb-IIIa DEFICIENCY; Glanzmann's thrombasthenia; Thrombasthenia. Identifiers: Orphanet 849, MedGen C0040015, MONDO:0100326.

Allele frequency attached by ClinVar (database versions not stated): TOPMed 0.00003; ESP Exome Variant Server 0.00008.
gnomAD v4.1: 26 of 1,613,304 alleles (0.0016%); highest among the groups gnomAD compares: East Asian, 0.0045%; no homozygotes.

Submissions (2):

Labcorp Genetics (formerly Invitae), Labcorp
Classification: Uncertain significance for Glanzmann thrombasthenia. Last evaluated: 2024-12-05. Review status: criteria provided, single submitter. Criteria: Invitae Variant Classification Sherloc (09022015). Collection method: clinical testing. Allele origin: germline.
Comment: This sequence change replaces valine, which is neutral and non-polar, with methionine, which is neutral and non-polar, at codon 682 of the ITGA2B protein (p.Val682Met). This variant is present in population databases (rs13306473, gnomAD 0.005%). This variant has not been reported in the literature in individuals affected with ITGA2B-related conditions. ClinVar contains an entry for this variant (Variation ID: 2342090). An algorithm developed to predict the effect of missense changes on protein structure and function outputs the following: PolyPhen-2: "Possibly Damaging". The methionine amino acid residue is found in multiple mammalian species, which suggests that this missense change does not adversely affect protein function. In summary, the available evidence is currently insufficient to determine the role of this variant in disease. Therefore, it has been classified as a Variant of Uncertain Significance.

Ambry Genetics
Classification: Uncertain significance for Inborn genetic diseases. Last evaluated: 2022-11-18. Review status: criteria provided, single submitter. Criteria: Ambry Variant Classification Scheme 2023. Collection method: clinical testing. Allele origin: germline.

NM_000419.5(ITGA2B):c.2044G>A (p.Val682Met)

Gene: ITGA2B (integrin subunit alpha 2b; minus strand). Cytogenetic location: 17q21.31.
Variant type: single nucleotide variant.
Coding change: c.2044G>A on transcript NM_000419.5 (MANE Select); coding-DNA position 2044, G replaced by A.
Protein change: p.Val682Met; replaces valine 682 with methionine.
Molecular consequence: missense variant.
Genome position (GRCh38, 1-based): chr17:44,378,412, C>T on the plus strand (G>A on the coding strand, the complement: ITGA2B is on the minus strand). VCF-style: chr17-44378412-C-T. GRCh37 (hg19) VCF-style: chr17-42455780-C-T.
Other names: short protein forms V682M.
Identifiers: ClinVar variation 2342090 (VCV002342090.5), dbSNP rs13306473, ClinGen allele CA8602859.